The following is an entry in ClinVar:

NM_032217.5(ANKRD17):c.2147T>G (p.Leu716Arg)

Gene: ANKRD17 (ankyrin repeat domain 17; minus strand). Cytogenetic location: 4q13.3.
Variant type: single nucleotide variant.
Coding change: c.2147T>G on transcript NM_032217.5 (MANE Select); coding-DNA position 2147, T replaced by G.
Protein change: p.Leu716Arg; replaces leucine 716 with arginine.
Molecular consequence: missense variant.
Genome position (GRCh38, 1-based): chr4:73,142,324, A>C on the plus strand (T>G on the coding strand, the complement: ANKRD17 is on the minus strand). VCF-style: chr4-73142324-A-C. GRCh37 (hg19) VCF-style: chr4-74008041-A-C.
Other names: c.1808T>G, p.Leu603Arg (NM_001286771.3); c.2147T>G, p.Leu716Arg (NM_015574.2, NM_198889.3); short protein forms L603R, L716R.
Identifiers: ClinVar variation 1342985 (VCV001342985.1), dbSNP rs2148821952, ClinGen allele CA357223702.

ClinVar aggregate classification (germline): Likely pathogenic (1 of 4 stars; one submission).

Conditions:
Chopra-Amiel-Gordon syndrome (CAGS). Also called: ANKRD17-Related Neurodevelopmental Syndrome. Identifiers: MedGen C5561975, MONDO:0859186, OMIM 619504.

Submission:

SIB Swiss Institute of Bioinformatics
Classification: Likely pathogenic for Chopra-Amiel-Gordon syndrome. Last evaluated: 2022-03-01. Review status: criteria provided, single submitter. Criteria: ACMG Guidelines, 2015. Collection method: curation. Allele origin: unknown.
Comment: This variant is interpreted as a likely pathogenic for Chopra-Amiel-Gordon syndrome, autosomal dominant. The following ACMG Tag(s) were applied: Absent from controls (or at extremely low frequency if recessive) in Exome Sequencing Project, 1000 Genomes Project, or Exome Aggregation Consortium (PM2); De novo (paternity and maternity confirmed) (PS2); Multiple lines of computational evidence support a deleterious effect on the gene or gene product (PP3); Missense variant in a gene that has a low rate of benign missense variation and in which missense variants are a common mechanism of disease (PP2).

Literature cited by the submitters: PubMed 33909992.